The following is an entry in ClinVar:

NM_139319.3(SLC17A8):c.959T>C (p.Ile320Thr)

Gene: SLC17A8 (solute carrier family 17 member 8; plus strand). Cytogenetic location: 12q23.1.
Variant type: single nucleotide variant.
Coding change: c.959T>C on transcript NM_139319.3 (MANE Select); coding-DNA position 959, T replaced by C.
Protein change: p.Ile320Thr; replaces isoleucine 320 with threonine.
Molecular consequence: missense variant. On other transcripts: intron variant (1).
Genome position (GRCh38, 1-based): chr12:100,402,651, T>C. VCF-style: chr12-100402651-T-C. GRCh37 (hg19) VCF-style: chr12-100796429-T-C.
Other names: c.903+172T>C (NM_001145288.2); short protein forms I320T.
Identifiers: ClinVar variation 1304165 (VCV001304165.7), dbSNP rs754155476, ClinGen allele CA6738903.
Genomic context (GRCh38, chr12:100,402,651, plus strand): 5'-CCTAGAAATTTAGTACCCCATGGAAAAGATTTTTCACATCTTTGCCGGTTTATGCAATCA[T>C]TGTGGCAAATTTTTGCAGAAGCTGGACCTTTTATTTGCTCCTCATAAGTCAGCCTGCTTA-3'
Protein context (NP_647480.1, residues 310-330): FFTSLPVYAI[Ile320Thr]VANFCRSWTF

ClinVar aggregate classification (germline): Uncertain significance. Review status: criteria provided, multiple submitters, no conflicts (2 of 4 stars). 3 submissions from 3 submitters: Uncertain significance (3). Last evaluated 2025-11-19.

Conditions:
Inborn genetic diseases. Identifiers: MedGen C0950123, MeSH D030342.

Allele frequency attached by ClinVar (database versions not stated): gnomAD exomes below 0.00001; ExAC 0.00001.

Submissions (3):

Ambry Genetics
Classification: Uncertain significance for Inborn genetic diseases. Last evaluated: 2025-11-19. Review status: criteria provided, single submitter. Criteria: Ambry Variant Classification Scheme 2023. Collection method: clinical testing. Allele origin: germline.

Labcorp Genetics (formerly Invitae), Labcorp
Classification: Uncertain significance. Last evaluated: 2022-05-26. Review status: criteria provided, single submitter. Criteria: Invitae Variant Classification Sherloc (09022015). Collection method: clinical testing. Allele origin: germline.
Comment: This sequence change replaces isoleucine, which is neutral and non-polar, with threonine, which is neutral and polar, at codon 320 of the SLC17A8 protein (p.Ile320Thr). This variant is present in population databases (rs754155476, gnomAD 0.007%). In summary, the available evidence is currently insufficient to determine the role of this variant in disease. Therefore, it has been classified as a Variant of Uncertain Significance. Algorithms developed to predict the effect of missense changes on protein structure and function (SIFT, PolyPhen-2, Align-GVGD) all suggest that this variant is likely to be disruptive. ClinVar contains an entry for this variant (Variation ID: 1304165). This variant has not been reported in the literature in individuals affected with SLC17A8-related conditions.

GeneDx
Classification: Uncertain significance. Last evaluated: 2019-10-01. Review status: criteria provided, single submitter. Criteria: GeneDx Variant Classification Process June 2021. Collection method: clinical testing. Allele origin: germline. Affected: yes.
Comment: Not observed at a significant frequency in large population cohorts (Lek et al., 2016); In silico analysis, which includes protein predictors and evolutionary conservation, supports a deleterious effect; Has not been previously published as pathogenic or benign to our knowledge